The following is an entry in ClinVar:

ClinVar aggregate classification (germline): Likely benign. Review status: criteria provided, multiple submitters, no conflicts (2 of 4 stars). 2 submissions from 2 submitters: Likely benign (2). Last evaluated 2025-03-04.

Allele frequency attached by ClinVar (database versions not stated): ExAC 0.00015; gnomAD exomes 0.00026 and 0.00014; gnomAD 0.00020 and 0.00021; TOPMed 0.00021.
gnomAD v4.1: 398 of 1,610,018 alleles (0.025%); highest among the groups gnomAD compares: Non-Finnish European, 0.032%; no homozygotes.

Submissions (2):

Mayo Clinic Laboratories, Mayo Clinic
Classification: Likely benign. Last evaluated: 2025-03-04. Review status: criteria provided, single submitter. Criteria: ACMG Guidelines, 2015. Collection method: clinical testing. Allele origin: germline. Observed: 2 variant alleles.
Comment: BP4, BP7

GeneDx
Classification: Likely benign. Last evaluated: 2019-04-15. Review status: criteria provided, single submitter. Criteria: GeneDx Variant Classification Process June 2021. Collection method: clinical testing. Allele origin: germline. Affected: yes.

NM_173660.5(DOK7):c.*10A>C

Gene: DOK7 (docking protein 7; plus strand). Cytogenetic location: 4p16.3.
Variant type: single nucleotide variant.
Coding change: c.*10A>C on transcript NM_173660.5 (MANE Select); 10 bases downstream of the stop codon, A replaced by C.
Molecular consequence: 3 prime UTR variant. On other transcripts: intron variant (2).
Genome position (GRCh38, 1-based): chr4:3,493,511, A>C. VCF-style: chr4-3493511-A-C. GRCh37 (hg19) VCF-style: chr4-3495238-A-C.
Other names: c.*746A>C (NM_001164673.2); c.*10A>C (NM_001256896.2); c.1497+28A>C (NM_001301071.2); c.1065+28A>C (NM_001363811.2).
Identifiers: ClinVar variation 1197517 (VCV001197517.3), dbSNP rs770677473, ClinGen allele CA2829568.